The following is an entry in ClinVar:

NM_001012426.2(FOXP4):c.808C>T (p.Pro270Ser)

Gene: FOXP4 (forkhead box P4; plus strand). Cytogenetic location: 6p21.1.
Variant type: single nucleotide variant.
Coding change: c.808C>T on transcript NM_001012426.2 (MANE Select); coding-DNA position 808, C replaced by T.
Protein change: p.Pro270Ser; replaces proline 270 with serine.
Molecular consequence: missense variant.
Genome position (GRCh38, 1-based): chr6:41,587,448, C>T. VCF-style: chr6-41587448-C-T. GRCh37 (hg19) VCF-style: chr6-41555186-C-T.
Other names: c.802C>T, p.Pro268Ser (NM_001012427.2); c.808C>T, p.Pro270Ser (NM_001405824.1); c.712C>T, p.Pro238Ser (NM_001405825.1, NM_001405826.1); c.805C>T, p.Pro269Ser (NM_138457.3); short protein forms P238S, P268S, P269S, P270S.
Identifiers: ClinVar variation 4540261 (VCV004540261.1).

ClinVar aggregate classification (germline): Uncertain significance (1 of 4 stars; one submission).

gnomAD v4.1: 7 of 1,556,134 alleles (0.00045%); highest among the groups gnomAD compares: Admixed American, 0.0019%; no homozygotes.

Submission:

GeneDx
Classification: Uncertain significance. Last evaluated: 2025-06-23. Review status: criteria provided, single submitter. Criteria: GeneDx Variant Classification Process June 2021. Collection method: clinical testing. Allele origin: germline. Affected: yes.
Comment: Not observed at significant frequency in large population cohorts (gnomAD); In silico analysis suggests that this missense variant does not alter protein structure/function; Has not been previously published as pathogenic or benign to our knowledge